The following is an entry in ClinVar:

NM_006371.5(CRTAP):c.*7G>A

Gene: CRTAP (cartilage associated protein; plus strand). Cytogenetic location: 3p22.3.
Variant type: single nucleotide variant.
Coding change: c.*7G>A on transcript NM_006371.5 (MANE Select); 7 bases downstream of the stop codon, G replaced by A.
Molecular consequence: 3 prime UTR variant.
Genome position (GRCh38, 1-based): chr3:33,142,455, G>A. VCF-style: chr3-33142455-G-A. GRCh37 (hg19) VCF-style: chr3-33183947-G-A.
Other names: c.*7G>A (NM_001393363.1, NM_001393364.1, NM_001393365.1).
Identifiers: ClinVar variation 1205450 (VCV001205450.4), dbSNP rs145383822, ClinGen allele CA2300529.

ClinVar aggregate classification (germline): Likely benign. Review status: criteria provided, multiple submitters, no conflicts (2 of 4 stars). 2 submissions from 2 submitters: Likely benign (2). Last evaluated 2025-11-13.

Allele frequency attached by ClinVar (database versions not stated): gnomAD exomes 0.00036 and 0.00091; 1000 Genomes Project 0.00379; TOPMed 0.00400; ExAC 0.00107; ESP Exome Variant Server 0.00300; gnomAD 0.00348 and 0.00372; 1000 Genomes Project 30x 0.00453.
gnomAD v4.1: 1,103 of 1,613,842 alleles (0.068%); highest among the groups gnomAD compares: African/African-American, 1.2%; 8 homozygotes.

Submissions (2):

Mayo Clinic Laboratories, Mayo Clinic
Classification: Likely benign. Last evaluated: 2025-11-13. Review status: criteria provided, single submitter. Criteria: ACMG Guidelines, 2015. Collection method: clinical testing. Allele origin: germline. Observed: 5 variant alleles.
Comment: BS1, BP4, BP7

GeneDx
Classification: Likely benign. Last evaluated: 2019-10-07. Review status: criteria provided, single submitter. Criteria: GeneDx Variant Classification Process June 2021. Collection method: clinical testing. Allele origin: germline. Affected: yes.